The following is an entry in ClinVar:

NM_014264.5(PLK4):c.799C>T (p.Arg267Ter)

Gene: PLK4 (polo like kinase 4; plus strand). Cytogenetic location: 4q28.1.
Variant type: single nucleotide variant.
Coding change: c.799C>T on transcript NM_014264.5 (MANE Select); coding-DNA position 799, C replaced by T.
Protein change: p.Arg267Ter; replaces arginine 267 with a stop codon.
Molecular consequence: nonsense.
Genome position (GRCh38, 1-based): chr4:127,886,169, C>T. VCF-style: chr4-127886169-C-T. GRCh37 (hg19) VCF-style: chr4-128807324-C-T.
Other names: c.703C>T, p.Arg235Ter (NM_001190799.2); c.676C>T, p.Arg226Ter (NM_001190801.2); short protein forms R235*, R226*, R267*.
Identifiers: ClinVar variation 1952871 (VCV001952871.2), dbSNP rs1472376292, ClinGen allele CA358150539.

ClinVar aggregate classification (germline): Pathogenic (1 of 4 stars; one submission).

Allele frequency attached by ClinVar (database versions not stated): gnomAD exomes below 0.00001; TOPMed below 0.00001.
gnomAD v4.1: 1 of 1,613,918 alleles (0.000062%); highest among the groups gnomAD compares: Non-Finnish European, 0.000085%; no homozygotes.

Submission:

Labcorp Genetics (formerly Invitae), Labcorp
Classification: Pathogenic. Last evaluated: 2021-07-14. Review status: criteria provided, single submitter. Criteria: Invitae Variant Classification Sherloc (09022015). Collection method: clinical testing. Allele origin: germline.
Comment: This sequence change creates a premature translational stop signal (p.Arg267*) in the PLK4 gene. It is expected to result in an absent or disrupted protein product. Loss-of-function variants in PLK4 are known to be pathogenic (PMID: 25320347, 30842647). This variant is not present in population databases (ExAC no frequency). This variant has not been reported in the literature in individuals affected with PLK4-related conditions. For these reasons, this variant has been classified as Pathogenic.

Literature cited by the submitters: PubMed 25320347; PubMed 30842647.